The following is an entry in ClinVar:

NM_001379291.1(BRD4):c.1412C>T (p.Pro471Leu)

Gene: BRD4 (bromodomain containing 4; minus strand). Cytogenetic location: 19p13.12.
Variant type: single nucleotide variant.
Coding change: c.1412C>T on transcript NM_001379291.1 (MANE Select); coding-DNA position 1412, C replaced by T.
Protein change: p.Pro471Leu; replaces proline 471 with leucine.
Molecular consequence: missense variant.
Genome position (GRCh38, 1-based): chr19:15,257,103, G>A on the plus strand (C>T on the coding strand, the complement: BRD4 is on the minus strand). VCF-style: chr19-15257103-G-A. GRCh37 (hg19) VCF-style: chr19-15367914-G-A.
Other names: c.1412C>T, p.Pro471Leu (NM_001330384.2, NM_001379292.1, NM_014299.3 and 1 more transcripts); short protein forms P471L.
Identifiers: ClinVar variation 2764787 (VCV002764787.3), dbSNP rs199958394, ClinGen allele CA9265375.
Genomic context (GRCh38, chr19:15,257,103, plus strand): 5'-TCGCTGCTGCTGTCGCTGGATGAGGGCGGGGCCACAACCTTGGTGGGAGGGGGCACTGCC[G>A]GGGAGGACACGGCCACCACTGGCTCCTCAGGCTCGTCCGGCATCTTGGCAAAGCGCATTT-3'
Protein context (NP_001366220.1, residues 461-481): PEEPVVAVSS[Pro471Leu]AVPPPTKVVA

ClinVar aggregate classification (germline): Uncertain significance (1 of 4 stars; one submission).

Allele frequency attached by ClinVar (database versions not stated): gnomAD exomes 0.00003; ESP Exome Variant Server 0.00008; ExAC 0.00002; TOPMed 0.00006; gnomAD 0.00004.
gnomAD v4.1: 47 of 1,608,706 alleles (0.0029%); highest among the groups gnomAD compares: East Asian, 0.0089%; no homozygotes.

Submission:

Labcorp Genetics (formerly Invitae), Labcorp
Classification: Uncertain significance. Last evaluated: 2025-06-22. Review status: criteria provided, single submitter. Criteria: Invitae Variant Classification Sherloc (09022015). Collection method: clinical testing. Allele origin: germline.
Comment: This sequence change replaces proline, which is neutral and non-polar, with leucine, which is neutral and non-polar, at codon 471 of the BRD4 protein (p.Pro471Leu). This variant is present in population databases (rs199958394, gnomAD 0.01%). This variant has not been reported in the literature in individuals affected with BRD4-related conditions. ClinVar contains an entry for this variant (Variation ID: 2764787). Invitae Evidence Modeling of protein sequence and biophysical properties (such as structural, functional, and spatial information, amino acid conservation, physicochemical variation, residue mobility, and thermodynamic stability) indicates that this missense variant is not expected to disrupt BRD4 protein function with a negative predictive value of 80%. In summary, the available evidence is currently insufficient to determine the role of this variant in disease. Therefore, it has been classified as a Variant of Uncertain Significance.